The following is an entry in ClinVar:

ClinVar aggregate classification (germline): Uncertain significance. Review status: criteria provided, multiple submitters, no conflicts (2 of 4 stars). 2 submissions from 2 submitters: Uncertain significance (2). Last evaluated 2023-01-18.

Allele frequency attached by ClinVar (database versions not stated): gnomAD exomes below 0.00001.

Submissions (2):

Revvity Omics, Revvity
Classification: Uncertain significance. Last evaluated: 2023-01-18. Review status: criteria provided, single submitter. Criteria: ACMG Guidelines, 2015. Collection method: clinical testing. Allele origin: germline.

CeGaT Center for Human Genetics Tuebingen
Classification: Uncertain significance. Last evaluated: 2022-05-01. Review status: criteria provided, single submitter. Criteria: CeGaT Center For Human Genetics Tuebingen Variant Classification Criteria Version 2. Collection method: clinical testing. Allele origin: germline. Affected: yes. Observed: 1 variant allele.
Comment: PKLR: PM2, PS4:Supporting

NM_000298.6(PKLR):c.1270-3C>A

Gene: PKLR (pyruvate kinase L/R; minus strand). Cytogenetic location: 1q22.
Variant type: single nucleotide variant.
Coding change: c.1270-3C>A on transcript NM_000298.6 (MANE Select); 3 bases into the intron before coding-DNA position 1270, C replaced by A.
Molecular consequence: intron variant.
Genome position (GRCh38, 1-based): chr1:155,293,346, G>T on the plus strand (C>A on the coding strand, the complement: PKLR is on the minus strand). VCF-style: chr1-155293346-G-T. GRCh37 (hg19) VCF-style: chr1-155263137-G-T.
Other names: c.1177-3C>A (NM_181871.4).
Identifiers: ClinVar variation 1694526 (VCV001694526.34), dbSNP rs1647338952, ClinGen allele CA2580061127.